The following is an entry in ClinVar:

NM_030962.4(SBF2):c.492C>G (p.Val164=)

Gene: SBF2 (SET binding factor 2; minus strand). Cytogenetic location: 11p15.4.
Variant type: single nucleotide variant.
Coding change: c.492C>G on transcript NM_030962.4 (MANE Select); coding-DNA position 492, C replaced by G.
Protein change: p.Val164=; no amino-acid change (valine 164 retained).
Molecular consequence: synonymous variant.
Genome position (GRCh38, 1-based): chr11:10,029,786, G>C on the plus strand (C>G on the coding strand, the complement: SBF2 is on the minus strand). VCF-style: chr11-10029786-G-C. GRCh37 (hg19) VCF-style: chr11-10051333-G-C.
Other names: c.492C>G, p.Val164= (NM_001386339.1, NM_001386342.1).
Identifiers: ClinVar variation 517809 (VCV000517809.11), dbSNP rs559769224, ClinGen allele CA5882113.

ClinVar aggregate classification (germline): Benign/Likely benign. Review status: criteria provided, multiple submitters, no conflicts (2 of 4 stars). 3 submissions from 3 submitters: Benign (1); Likely benign (2). Last evaluated 2021-10-28.

Conditions:
Inborn genetic diseases. Identifiers: MedGen C0950123, MeSH D030342.
Charcot-Marie-Tooth disease type 4. Also called: Charcot-Marie-Tooth disease, type IV; Charcot-Marie-Tooth, Type 4. Identifiers: Orphanet 64749, MedGen C4082197, MONDO:0018995.

Allele frequency attached by ClinVar (database versions not stated): gnomAD below 0.00001 and 0.00001; gnomAD exomes 0.00011; ExAC 0.00012.
gnomAD v4.1: 44 of 1,612,956 alleles (0.0027%); highest among the groups gnomAD compares: South Asian, 0.048%; 2 homozygotes.

Submissions (3):

Labcorp Genetics (formerly Invitae), Labcorp
Classification: Benign for Charcot-Marie-Tooth disease type 4. Last evaluated: 2021-10-28. Review status: criteria provided, single submitter. Criteria: Invitae Variant Classification Sherloc (09022015). Collection method: clinical testing. Allele origin: germline.

Ambry Genetics
Classification: Likely benign for Inborn genetic diseases. Last evaluated: 2019-07-11. Review status: criteria provided, single submitter. Criteria: Ambry Variant Classification Scheme 2023. Collection method: clinical testing. Allele origin: germline.

GeneDx
Classification: Likely benign. Last evaluated: 2017-03-16. Review status: criteria provided, single submitter. Criteria: GeneDx Variant Classification (06012015). Collection method: clinical testing. Allele origin: germline. Affected: yes.
Comment: This variant is considered likely benign or benign based on one or more of the following criteria: it is a conservative change, it occurs at a poorly conserved position in the protein, it is predicted to be benign by multiple in silico algorithms, and/or has population frequency not consistent with disease.